The following is an entry in ClinVar:

ClinVar aggregate classification (germline): Pathogenic. Review status: criteria provided, multiple submitters, no conflicts (2 of 4 stars). 7 submissions from 7 submitters: Pathogenic (7). Last evaluated 2025-05-27.

Conditions:
Osteogenesis imperfecta type I (OI1). Also called: Classic Non-deforming Osteogenesis Imperfecta with Blue Sclerae; OI, TYPE I; OSTEOGENESIS IMPERFECTA TARDA; OSTEOGENESIS IMPERFECTA WITH BLUE SCLERAE; Osteogenesis imperfecta type 1; Lobstein's Disease. Identifiers: Orphanet 216796, Orphanet 666, MedGen C0023931, MONDO:0008146, OMIM 166200. Disease mechanism: loss of function.
Ehlers-Danlos syndrome, classic type, 1 (EDSCL1). Also called: Ehlers-Danlos Syndrome, Classic Type, COL5A1-Related; EDS I; Ehlers-Danlos syndrome, type 1; EHLERS-DANLOS SYNDROME, GRAVIS TYPE; EHLERS-DANLOS SYNDROME, SEVERE CLASSIC TYPE. Identifiers: MedGen C0268335, MONDO:0019567, OMIM 130000.
COL1A2-related disorder. Also called: COL1A2-Related Disorders; COL1A2-related condition.

Submissions (7):

Labcorp Genetics (formerly Invitae), Labcorp
Classification: Pathogenic for Osteogenesis imperfecta type I; Ehlers-Danlos syndrome, classic type, 1. Last evaluated: 2025-05-27. Review status: criteria provided, single submitter. Criteria: Invitae Variant Classification Sherloc (09022015). Collection method: clinical testing. Allele origin: germline.
Comment: This sequence change replaces glycine, which is neutral and non-polar, with serine, which is neutral and polar, at codon 949 of the COL1A2 protein (p.Gly949Ser). This variant is not present in population databases (gnomAD no frequency). This missense change has been observed in individual(s) with autosomal dominant osteogenesis imperfecta (PMID: 8081394, 17078022, 18996919, 34306033). In at least one individual the variant was observed to be de novo. This variant is also known as Gly859Ser. ClinVar contains an entry for this variant (Variation ID: 618026). Invitae Evidence Modeling of protein sequence and biophysical properties (such as structural, functional, and spatial information, amino acid conservation, physicochemical variation, residue mobility, and thermodynamic stability) indicates that this missense variant is expected to disrupt COL1A2 protein function with a positive predictive value of 95%. This variant disrupts the triple helix domain of COL1A2. Glycine residues within the Gly-Xaa-Yaa repeats of the triple helix domain are required for the structure and stability of fibrillar collagens (PMID: 7695699, 8218237, 19344236). In COL1A2, variants affecting these glycine residues are significantly enriched in individuals with disease (PMID: 9016532, 17078022) compared to the general population (ExAC). For these reasons, this variant has been classified as Pathogenic.

Dasa
Classification: Pathogenic. Last evaluated: 2025-02-24. Review status: criteria provided, single submitter. Criteria: DASA Assertion Criteria. Collection method: clinical testing. Allele origin: germline.
Comment: NM_000089.4(COL1A2):c.2845G>A (p.Gly949Ser) is a missense variant that results in the substitution of glycine with serine. De novo occurrence has been reported in an individual with related phenotype. This variant has been recurrently observed in individuals with related phenotype (PMID: 8081394; PMID: 17078022; PMID: 18996919; PMID: 37810882; PMID: 34306033). Multiple computational predictions support a deleterious effect on the gene or gene product. The variant is present at low frequency in population datasets. Based on the available data, this variant is classified as pathogenic.

CeGaT Center for Human Genetics Tuebingen
Classification: Pathogenic. Last evaluated: 2024-01-01. Review status: criteria provided, single submitter. Criteria: CeGaT Center For Human Genetics Tuebingen Variant Classification Criteria Version 2. Collection method: clinical testing. Allele origin: germline. Affected: yes. Observed: 1 variant allele.
Comment: COL1A2: PS2, PM1, PM2, PS4:Moderate, PP3

Blueprint Genetics
Classification: Pathogenic for COL1A2-related disorders. Last evaluated: 2023-11-24. Review status: criteria provided, single submitter. Criteria: ACMG Guidelines, 2015. Collection method: clinical testing. Allele origin: germline. Affected: yes. Observed: 4 variant alleles.

Revvity Omics, Revvity
Classification: Pathogenic. Last evaluated: 2023-11-06. Review status: criteria provided, single submitter. Criteria: ACMG Guidelines, 2015. Collection method: clinical testing. Allele origin: germline.

GeneDx
Classification: Pathogenic. Last evaluated: 2022-09-15. Review status: criteria provided, single submitter. Criteria: GeneDx Variant Classification Process June 2021. Collection method: clinical testing. Allele origin: germline. Affected: yes.
Comment: Occurs in the triple helical domain and replaces the glycine in the canonical Gly-X-Y repeat; missense substitution of a canonical glycine residue is expected to disrupt normal protein folding and function, and this is an established mechanism of disease (HGMD); In silico analysis supports that this missense variant has a deleterious effect on protein structure/function; Not observed at significant frequency in large population cohorts (gnomAD); This variant is associated with the following publications: (PMID: 33879512, 17078022, 18996919, 32335875, 34306033, 8081394, 28528406)

ARUP Laboratories, Molecular Genetics and Genomics, ARUP Laboratories
Classification: Pathogenic. Last evaluated: 2017-11-14. Review status: criteria provided, single submitter. Criteria: ARUP Molecular Germline Variant Investigation Process. Collection method: clinical testing. Allele origin: germline.

Literature cited by the submitters: PubMed 8081394 (cited by Labcorp Genetics (formerly Invitae), Labcorp and Dasa); PubMed 17078022 (cited by Labcorp Genetics (formerly Invitae), Labcorp and Dasa); PubMed 18996919 (cited by Labcorp Genetics (formerly Invitae), Labcorp and Dasa); PubMed 34306033 (cited by Labcorp Genetics (formerly Invitae), Labcorp and Dasa); PubMed 7695699 (cited by Labcorp Genetics (formerly Invitae), Labcorp); PubMed 8218237 (cited by Labcorp Genetics (formerly Invitae), Labcorp); PubMed 19344236 (cited by Labcorp Genetics (formerly Invitae), Labcorp); PubMed 9016532 (cited by Labcorp Genetics (formerly Invitae), Labcorp); PubMed 37810882 (cited by Dasa).

NM_000089.4(COL1A2):c.2845G>A (p.Gly949Ser)

Gene: COL1A2 (collagen type I alpha 2 chain; plus strand). Cytogenetic location: 7q21.3.
Variant type: single nucleotide variant.
Coding change: c.2845G>A on transcript NM_000089.4 (MANE Select); coding-DNA position 2845, G replaced by A.
Protein change: p.Gly949Ser; replaces glycine 949 with serine.
Molecular consequence: missense variant.
Genome position (GRCh38, 1-based): chr7:94,425,759, G>A. VCF-style: chr7-94425759-G-A. GRCh37 (hg19) VCF-style: chr7-94055071-G-A.
Other names: short protein forms G949S.
Identifiers: ClinVar variation 618026 (VCV000618026.45), dbSNP rs72659312, ClinGen allele CA162939888.
Genomic context (GRCh38, chr7:94,425,759, plus strand): 5'-TGATTAAAATGCAACCCAGATTGATGCTAAGCTTCATTTTGCCTTTGGTAGGGAGAGCGC[G>A]GTTACCCTGGCAATATTGGTCCCGTTGGTGCTGCAGGTGCACCTGGTCCTCATGGCCCCG-3'
Protein context (NP_000080.2, residues 939-959): DGQPGHKGER[Gly949Ser]YPGNIGPVGA